The following is an entry in ClinVar:

ClinVar aggregate classification (germline): Uncertain significance (1 of 4 stars; one submission).

Submission:

Ambry Genetics
Classification: Uncertain significance. Last evaluated: 2026-01-25. Review status: criteria provided, single submitter. Criteria: Ambry Variant Classification Scheme 2023. Collection method: clinical testing. Allele origin: germline.
Comment: The p.R291P variant (also known as c.872G>C), located in coding exon 7 of the RECQL gene, results from a G to C substitution at nucleotide position 872. The arginine at codon 291 is replaced by proline, an amino acid with dissimilar properties. This amino acid position is conserved. In addition, this alteration is predicted to be deleterious by in silico analysis. Based on the available evidence, the clinical significance of this variant remains unclear.

NM_002907.4(RECQL):c.872G>C (p.Arg291Pro)

Gene: RECQL (RecQ like helicase; minus strand). Cytogenetic location: 12p12.1.
Variant type: single nucleotide variant.
Coding change: c.872G>C on transcript NM_002907.4 (MANE Select); coding-DNA position 872, G replaced by C.
Protein change: p.Arg291Pro; replaces arginine 291 with proline.
Molecular consequence: missense variant.
Genome position (GRCh38, 1-based): chr12:21,476,988, C>G on the plus strand (G>C on the coding strand, the complement: RECQL is on the minus strand). VCF-style: chr12-21476988-C-G. GRCh37 (hg19) VCF-style: chr12-21629922-C-G.
Other names: c.872G>C, p.Arg291Pro (NM_032941.3); short protein forms R291P.
Identifiers: ClinVar variation 4824329 (VCV004824329.1).